The following is an entry in ClinVar:

NM_001003787.4(STRADA):c.754-10dup

Gene: STRADA (STE20 related adaptor alpha; minus strand). Cytogenetic location: 17q23.3.
Variant type: Duplication.
Coding change: c.754-10dup on transcript NM_001003787.4 (MANE Select); 10 bases into the intron before coding-DNA position 754, one base duplicated (T; older notation c.754-10dupT).
Molecular consequence: intron variant.
Genome position (GRCh38, 1-based): chr17:63,706,749, A duplicated on the plus strand (T on the coding strand, the reverse complement: STRADA is on the minus strand); the first of 8 consecutive A bases (chr17:63,706,749-63,706,756); duplicating any one gives the same sequence. VCF-style (leftmost placement, unchanged base first): chr17-63706748-G-GA. GRCh37 (hg19) VCF-style: chr17-61784108-G-GA.
Other names: c.643-10dup (NM_001363789.1, NM_001003786.3, NM_153335.6); c.580-10dup (NM_001363790.1, NM_001363791.1, NM_001003788.3); c.730-10dup (NM_001363786.1); c.667-10dup (NM_001165969.2, NM_001363787.1); c.622-10dup (NM_001165970.2); c.754-10dup (NM_001363788.1).
Identifiers: ClinVar variation 1397188 (VCV001397188.6), dbSNP rs763317382, ClinGen allele CA8703281.

ClinVar aggregate classification (germline): Uncertain significance (1 of 4 stars; one submission).

Conditions:
Polyhydramnios, megalencephaly, and symptomatic epilepsy (PMSE). Also called: PMSE SYNDROME. Identifiers: Orphanet 500533, MedGen C1970203, MONDO:0012611, OMIM 611087.

Submission:

Labcorp Genetics (formerly Invitae), Labcorp
Classification: Uncertain significance for Polyhydramnios, megalencephaly, and symptomatic epilepsy. Last evaluated: 2024-10-17. Review status: criteria provided, single submitter. Criteria: Invitae Variant Classification Sherloc (09022015). Collection method: clinical testing. Allele origin: germline.
Comment: This sequence change falls in intron 9 of the STRADA gene. It does not directly change the encoded amino acid sequence of the STRADA protein. It affects a nucleotide within the consensus splice site. The frequency data for this variant in the population databases is considered unreliable, as metrics indicate poor data quality at this position in the gnomAD database. This variant has not been reported in the literature in individuals affected with STRADA-related conditions. ClinVar contains an entry for this variant (Variation ID: 1397188). Variants that disrupt the consensus splice site are a relatively common cause of aberrant splicing (PMID: 17576681, 9536098). Algorithms developed to predict the effect of sequence changes on RNA splicing suggest that this variant is not likely to affect RNA splicing. In summary, the available evidence is currently insufficient to determine the role of this variant in disease. Therefore, it has been classified as a Variant of Uncertain Significance.

Literature cited by the submitters: PubMed 17576681; PubMed 9536098.